The following is an entry in ClinVar:

ClinVar aggregate classification (germline): Uncertain significance. Review status: criteria provided, multiple submitters, no conflicts (2 of 4 stars). 2 submissions from 2 submitters: Uncertain significance (2). Last evaluated 2024-05-31.

Allele frequency attached by ClinVar (database versions not stated): ExAC 0.00002; gnomAD exomes 0.00002; TOPMed 0.00002.
gnomAD v4.1: 35 of 1,606,004 alleles (0.0022%); highest among the groups gnomAD compares: Middle Eastern, 0.016%; no homozygotes.

Submissions (2):

Labcorp Genetics (formerly Invitae), Labcorp
Classification: Uncertain significance. Last evaluated: 2024-05-31. Review status: criteria provided, single submitter. Criteria: Invitae Variant Classification Sherloc (09022015). Collection method: clinical testing. Allele origin: germline.
Comment: This sequence change replaces isoleucine, which is neutral and non-polar, with threonine, which is neutral and polar, at codon 1978 of the HMCN1 protein (p.Ile1978Thr). This variant is present in population databases (rs762521416, gnomAD 0.003%). This variant has not been reported in the literature in individuals affected with HMCN1-related conditions. ClinVar contains an entry for this variant (Variation ID: 2181669). An algorithm developed to predict the effect of missense changes on protein structure and function (PolyPhen-2) suggests that this variant is likely to be disruptive. In summary, the available evidence is currently insufficient to determine the role of this variant in disease. Therefore, it has been classified as a Variant of Uncertain Significance.

Ambry Genetics
Classification: Uncertain significance. Last evaluated: 2023-11-17. Review status: criteria provided, single submitter. Criteria: Ambry Variant Classification Scheme 2023. Collection method: clinical testing. Allele origin: germline.

NM_031935.3(HMCN1):c.5933T>C (p.Ile1978Thr)

Gene: HMCN1 (hemicentin 1; plus strand). Cytogenetic location: 1q31.1.
Variant type: single nucleotide variant.
Coding change: c.5933T>C on transcript NM_031935.3 (MANE Select); coding-DNA position 5933, T replaced by C.
Protein change: p.Ile1978Thr; replaces isoleucine 1978 with threonine.
Molecular consequence: missense variant.
Genome position (GRCh38, 1-based): chr1:186,038,910, T>C. VCF-style: chr1-186038910-T-C. GRCh37 (hg19) VCF-style: chr1-186008042-T-C.
Other names: c.5933T>C (NM_031935.2); short protein forms I1978T.
Identifiers: ClinVar variation 2181669 (VCV002181669.5), dbSNP rs762521416, ClinGen allele CA1292422.